The following is an entry in ClinVar:

ClinVar aggregate classification (germline): Uncertain significance (1 of 4 stars; one submission).

Allele frequency attached by ClinVar (database versions not stated): gnomAD exomes below 0.00001; gnomAD 0.00002 and 0.00003; TOPMed 0.00003.
gnomAD v4.1: 6 of 1,208,846 alleles (0.0005%); highest among the groups gnomAD compares: Admixed American, 0.011%; no homozygotes.

Submission:

Labcorp Genetics (formerly Invitae), Labcorp
Classification: Uncertain significance. Last evaluated: 2023-12-21. Review status: criteria provided, single submitter. Criteria: Invitae Variant Classification Sherloc (09022015). Collection method: clinical testing. Allele origin: germline.
Comment: This sequence change replaces glutamic acid, which is acidic and polar, with aspartic acid, which is acidic and polar, at codon 1460 of the NEXMIF protein (p.Glu1460Asp). This variant is not present in population databases (gnomAD no frequency). This variant has not been reported in the literature in individuals affected with NEXMIF-related conditions. ClinVar contains an entry for this variant (Variation ID: 1044861). An algorithm developed to predict the effect of missense changes on protein structure and function (PolyPhen-2) suggests that this variant is likely to be tolerated. In summary, the available evidence is currently insufficient to determine the role of this variant in disease. Therefore, it has been classified as a Variant of Uncertain Significance.

NM_001008537.3(NEXMIF):c.4380G>C (p.Glu1460Asp)

Gene: NEXMIF (neurite extension and migration factor; minus strand). Cytogenetic location: Xq13.3.
Variant type: single nucleotide variant.
Coding change: c.4380G>C on transcript NM_001008537.3 (MANE Select); coding-DNA position 4380, G replaced by C.
Protein change: p.Glu1460Asp; replaces glutamic acid 1460 with aspartic acid.
Molecular consequence: missense variant.
Genome position (GRCh38, 1-based): chrX:74,740,177, C>G on the plus strand (G>C on the coding strand, the complement: NEXMIF is on the minus strand). VCF-style: chrX-74740177-C-G. GRCh37 (hg19) VCF-style: chrX-73960012-C-G.
Other names: short protein forms E1460D.
Identifiers: ClinVar variation 1044861 (VCV001044861.8), dbSNP rs2080097234, ClinGen allele CA413663408.